The following is an entry in ClinVar:

NC_000003.11:g.(?_158369865)_(158409256_?)del

Genes: GFM1 (G elongation factor mitochondrial 1; plus strand), LXN (latexin; minus strand). Cytogenetic location: 3q25.32.
Variant type: Deletion.
Identifiers: ClinVar variation 3247044 (VCV003247044.1).

ClinVar aggregate classification (germline): Pathogenic (1 of 4 stars; one submission).

Submission:

Labcorp Genetics (formerly Invitae), Labcorp
Classification: Pathogenic. Last evaluated: 2023-04-25. Review status: criteria provided, single submitter. Criteria: Invitae Variant Classification Sherloc (09022015). Collection method: clinical testing. Allele origin: unknown.
Comment: For these reasons, this variant has been classified as Pathogenic. This variant disrupts a region of the GFM1 protein in which other variant(s) (p.Arg250Trp) have been determined to be pathogenic (PMID: 21119709, 28216230). This suggests that this is a clinically significant region of the protein, and that variants that disrupt it are likely to be disease-causing. This variant has not been reported in the literature in individuals affected with GFM1-related conditions. This variant is a gross deletion of the genomic region encompassing exon(s) 6-18 of the GFM1 gene, which includes the termination codon. This deletion extends beyond the assayed region for this gene and therefore may encompass additional genes. While this deletion is not anticipated to lead to nonsense mediated decay, it is expected to alter mRNA translation or result in a truncated protein product.

Literature cited by the submitters: PubMed 21119709; PubMed 28216230.